The following is an entry in ClinVar:

ClinVar aggregate classification (germline): Uncertain significance. Review status: criteria provided, multiple submitters, no conflicts (2 of 4 stars). 2 submissions from 2 submitters: Uncertain significance (2). Last evaluated 2026-05-29.

Conditions:
Mucopolysaccharidosis, MPS-IV-A (MPS4A). Also called: Mucopolysaccharidosis type IV A; Mucopolysaccharidosis Type IVA; Morquio syndrome A, mild; MORQUIO SYNDROME A; MPS IVA; mucopolysaccharidosis type 4A. Identifiers: Orphanet 309297, Orphanet 582, MedGen C0086651, MONDO:0009659, OMIM 253000.

Submissions (2):

Women's Health and Genetics/Laboratory Corporation of America, LabCorp
Classification: Uncertain significance. Last evaluated: 2026-05-29. Review status: criteria provided, single submitter. Criteria: LabCorp Variant Classification Summary - May 2015. Collection method: clinical testing. Allele origin: germline.
Comment: Variant summary: GALNS c.1567T>C (p.X523GlnextX92) changes the termination codon and is predicted to lead to an extended protein with additional amino acids added to the normal C-terminus. The variant was absent in 168528 control chromosomes. The available data on variant occurrences in the general population are insufficient to allow any conclusion about variant significance. c.1567T>C has been observed in an study on GALNS-related conditions without variant carrier information (clinical features and second allele variant) (Zanetti_2021). These report(s) do not provide unequivocal conclusions about association of the variant with disease. To our knowledge, no experimental evidence demonstrating an impact on protein function has been reported. The following publication have been ascertained in the context of this evaluation (PMID: 34387910). ClinVar contains an entry for this variant (Variation ID: 1048362). Based on the evidence outlined above, the variant was classified as uncertain significance.

Laboratory of Diagnosis and Therapy of Lysosomal Disorders, University of Padova
Classification: Uncertain significance for Mucopolysaccharidosis, MPS-IV-A. Last evaluated: 2021-02-01. Review status: criteria provided, single submitter. Criteria: ACMG Guidelines, 2015. Collection method: research. Allele origin: germline. Affected: yes.
Comment: Absent from gnomAD v2.1.1 (PM2_moderate); protein length changes as a result of loss variant in a nonrepeat region (PM4_moderate)

Literature cited by the submitters: PubMed 34387910 (cited by Women's Health and Genetics/Laboratory Corporation of America, LabCorp and Laboratory of Diagnosis and Therapy of Lysosomal Disorders, University of Padova).

NM_000512.5(GALNS):c.1567T>C (p.Ter523Gln)

Gene: GALNS (galactosamine (N-acetyl)-6-sulfatase; minus strand). Cytogenetic location: 16q24.3.
Variant type: single nucleotide variant.
Coding change: c.1567T>C on transcript NM_000512.5 (MANE Select); coding-DNA position 1567, T replaced by C.
Protein change: p.Ter523Gln.
Molecular consequence: stop lost.
Genome position (GRCh38, 1-based): chr16:88,814,441, A>G on the plus strand (T>C on the coding strand, the complement: GALNS is on the minus strand). VCF-style: chr16-88814441-A-G. GRCh37 (hg19) VCF-style: chr16-88880849-A-G.
Other names: c.1012T>C, p.Ter338Gln (NM_001323543.2); c.1585T>C, p.Ter529Gln (NM_001323544.2).
Identifiers: ClinVar variation 1048362 (VCV001048362.4), dbSNP rs1348149236, ClinGen allele CA397092413.